The following is an entry in ClinVar:

ClinVar aggregate classification (germline): Pathogenic. Review status: no assertion criteria provided (0 of 4 stars). 2 submissions from 2 submitters: Pathogenic (2). Last evaluated 2012-10-04.

Conditions:
Hyperekplexia 1 (STHE). Also called: HYPEREKPLEXIA 1, AUTOSOMAL DOMINANT; HYPEREKPLEXIA 1, AUTOSOMAL RECESSIVE; STARTLE DISEASE, FAMILIAL; STIFF-BABY SYNDROME; STIFF-MAN SYNDROME, CONGENITAL; STIFF-PERSON SYNDROME, CONGENITAL. Identifiers: Orphanet 3197, MedGen C4551954, MONDO:0007868, OMIM 149400.

Submissions (2):

GeneReviews
Classification: Pathogenic for Hyperekplexia. Last evaluated: 2012-10-04. Review status: no assertion criteria provided. Collection method: curation. Allele origin: unknown.
ClinVar note: Converted during submission from pathologic to Pathogenic.

OMIM
Classification: Pathogenic for HYPEREKPLEXIA 1, AUTOSOMAL RECESSIVE. Last evaluated: 1994-12-01. Review status: no assertion criteria provided. Collection method: literature only. Allele origin: germline.

Literature cited by the submitters: PubMed 7881416 (cited by OMIM).

NM_000171.4(GLRA1):c.815T>A (p.Ile272Asn)

Gene: GLRA1 (glycine receptor alpha 1; minus strand). Cytogenetic location: 5q33.1.
Variant type: single nucleotide variant.
Coding change: c.815T>A on transcript NM_000171.4 (MANE Select); coding-DNA position 815, T replaced by A.
Protein change: p.Ile272Asn; replaces isoleucine 272 with asparagine.
Molecular consequence: missense variant.
Genome position (GRCh38, 1-based): chr5:151,851,487, A>T on the plus strand (T>A on the coding strand, the complement: GLRA1 is on the minus strand). VCF-style: chr5-151851487-A-T. GRCh37 (hg19) VCF-style: chr5-151231048-A-T.
Other names: I244N; T1112A; c.815T>A, p.Ile272Asn (NM_001146040.2); c.566T>A, p.Ile189Asn (NM_001292000.2); short protein forms I272N, I189N.
Identifiers: ClinVar variation 16062 (VCV000016062.4), dbSNP rs121918409, ClinGen allele CA341361.